The following is an entry in ClinVar:

NM_000228.3(LAMB3):c.1639G>A (p.Asp547Asn)

Gene: LAMB3 (laminin subunit beta 3; minus strand). Cytogenetic location: 1q32.2.
Variant type: single nucleotide variant.
Coding change: c.1639G>A on transcript NM_000228.3 (MANE Select); coding-DNA position 1639, G replaced by A.
Protein change: p.Asp547Asn; replaces aspartic acid 547 with asparagine.
Molecular consequence: missense variant.
Genome position (GRCh38, 1-based): chr1:209,625,985, C>T on the plus strand (G>A on the coding strand, the complement: LAMB3 is on the minus strand). VCF-style: chr1-209625985-C-T. GRCh37 (hg19) VCF-style: chr1-209799330-C-T.
Other names: c.1639G>A, p.Asp547Asn (NM_001017402.2, NM_001127641.1); short protein forms D547N.
Identifiers: ClinVar variation 2710153 (VCV002710153.3), dbSNP rs761037344, ClinGen allele CA1375506.

ClinVar aggregate classification (germline): Uncertain significance (1 of 4 stars; one submission).

Allele frequency attached by ClinVar (database versions not stated): gnomAD 0.00001; ExAC 0.00002; TOPMed 0.00002.

Submission:

Labcorp Genetics (formerly Invitae), Labcorp
Classification: Uncertain significance. Last evaluated: 2023-12-11. Review status: criteria provided, single submitter. Criteria: Invitae Variant Classification Sherloc (09022015). Collection method: clinical testing. Allele origin: germline.
Comment: This sequence change replaces aspartic acid, which is acidic and polar, with asparagine, which is neutral and polar, at codon 547 of the LAMB3 protein (p.Asp547Asn). This variant is present in population databases (rs761037344, gnomAD 0.02%). This variant has not been reported in the literature in individuals affected with LAMB3-related conditions. Advanced modeling of protein sequence and biophysical properties (such as structural, functional, and spatial information, amino acid conservation, physicochemical variation, residue mobility, and thermodynamic stability) performed at Invitae indicates that this missense variant is not expected to disrupt LAMB3 protein function with a negative predictive value of 80%. In summary, the available evidence is currently insufficient to determine the role of this variant in disease. Therefore, it has been classified as a Variant of Uncertain Significance.